The following is an entry in ClinVar:

NM_004360.5(CDH1):c.245T>A (p.Val82Glu)

Gene: CDH1 (cadherin 1; plus strand). Cytogenetic location: 16q22.1.
Variant type: single nucleotide variant.
Coding change: c.245T>A on transcript NM_004360.5 (MANE Select); coding-DNA position 245, T replaced by A.
Protein change: p.Val82Glu; replaces valine 82 with glutamic acid.
Molecular consequence: missense variant. On other transcripts: 5 prime UTR variant (2).
Genome position (GRCh38, 1-based): chr16:68,801,751, T>A. VCF-style: chr16-68801751-T-A. GRCh37 (hg19) VCF-style: chr16-68835654-T-A.
Other names: c.245T>A, p.Val82Glu (NM_001317184.2); c.-1371T>A (NM_001317185.2); c.-1575T>A (NM_001317186.2); short protein forms V82E.
Identifiers: ClinVar variation 922873 (VCV000922873.15), dbSNP rs942284129, ClinGen allele CA396457230.

ClinVar aggregate classification (germline): Uncertain significance. Review status: criteria provided, multiple submitters, no conflicts (2 of 4 stars). 2 submissions from 2 submitters: Uncertain significance (2). Last evaluated 2024-04-18.

Conditions:
Hereditary cancer-predisposing syndrome. Also called: Hereditary Cancer Syndrome; Hereditary neoplastic syndrome; Neoplastic Syndromes, Hereditary; Tumor predisposition. Identifiers: Orphanet 140162, MedGen C0027672, MeSH D009386, MONDO:0015356.
Hereditary diffuse gastric adenocarcinoma (HDGC). Also called: DIFFUSE GASTRIC AND LOBULAR BREAST CANCER SYNDROME. Identifiers: Orphanet 26106, MedGen C1708349, MONDO:0007648, OMIM 137215.

Submissions (2):

Labcorp Genetics (formerly Invitae), Labcorp
Classification: Uncertain significance for Hereditary diffuse gastric adenocarcinoma. Last evaluated: 2024-04-18. Review status: criteria provided, single submitter. Criteria: Invitae Variant Classification Sherloc (09022015). Collection method: clinical testing. Allele origin: germline.
Comment: This sequence change replaces valine, which is neutral and non-polar, with glutamic acid, which is acidic and polar, at codon 82 of the CDH1 protein (p.Val82Glu). This variant is not present in population databases (gnomAD no frequency). This variant has not been reported in the literature in individuals affected with CDH1-related conditions. ClinVar contains an entry for this variant (Variation ID: 922873). An algorithm developed to predict the effect of missense changes on protein structure and function (PolyPhen-2) suggests that this variant is likely to be tolerated. In summary, the available evidence is currently insufficient to determine the role of this variant in disease. Therefore, it has been classified as a Variant of Uncertain Significance.

Color Diagnostics, LLC DBA Color Health
Classification: Uncertain significance for Hereditary cancer-predisposing syndrome. Last evaluated: 2023-12-05. Review status: criteria provided, single submitter. Criteria: ACMG Guidelines, 2015. Collection method: clinical testing. Allele origin: germline.
Comment: This missense variant replaces valine with glutamic acid at codon 82 of the CDH1 protein. To our knowledge, functional studies have not been reported for this variant. This variant has not been reported in individuals affected with hereditary cancer in the literature. This variant has not been identified in the general population by the Genome Aggregation Database (gnomAD). The available evidence is insufficient to determine the role of this variant in disease conclusively. Therefore, this variant is classified as a Variant of Uncertain Significance.